The following is an entry in ClinVar:

NM_000444.6(PHEX):c.849+3A>G

Gene: PHEX (phosphate regulating endopeptidase X-linked; plus strand). Cytogenetic location: Xp22.11.
Variant type: single nucleotide variant.
Coding change: c.849+3A>G on transcript NM_000444.6 (MANE Select); 3 bases into the intron after coding-DNA position 849, A replaced by G.
Molecular consequence: intron variant.
Genome position (GRCh38, 1-based): chrX:22,094,102, A>G. VCF-style: chrX-22094102-A-G. GRCh37 (hg19) VCF-style: chrX-22112220-A-G.
Other names: c.849+3A>G (NM_001282754.2).
Identifiers: ClinVar variation 718110 (VCV000718110.19), dbSNP rs200585038, ClinGen allele CA10368115.

ClinVar aggregate classification (germline): Benign/Likely benign. Review status: criteria provided, multiple submitters, no conflicts (2 of 4 stars). 7 submissions from 7 submitters: Benign (3); Likely benign (1). 3 of the submissions do not count toward it. Last evaluated 2025-12-24.

Conditions:
PHEX-related disorder. Also called: PHEX-related condition.
Familial X-linked hypophosphatemic vitamin D refractory rickets (XLHRD). Also called: X-Linked Hypophosphatemia; HYPOPHOSPHATEMIC VITAMIN D-RESISTANT RICKETS; Hypophosphatemic Rickets, X-Linked Dominant; Hypophosphatemia, vitamin D-resistant rickets; Vitamin D-resistant rickets, X-linked. Identifiers: Orphanet 89936, MedGen C0733682, MONDO:0010619, OMIM 307800.

Allele frequency attached by ClinVar (database versions not stated): 1000 Genomes Project 30x 0.00021; 1000 Genomes Project 0.00026; TOPMed 0.00057; gnomAD exomes 0.00069 and 0.00084; gnomAD 0.00070 and 0.00071; ExAC 0.00080; ESP Exome Variant Server 0.00095.
gnomAD v4.1: 840 of 1,006,560 alleles (0.083%); highest among the groups gnomAD compares: Non-Finnish European, 0.1%; no homozygotes.

Submissions (7):

Labcorp Genetics (formerly Invitae), Labcorp
Classification: Benign. Last evaluated: 2025-12-24. Review status: criteria provided, single submitter. Criteria: Invitae Variant Classification Sherloc (09022015). Collection method: clinical testing. Allele origin: germline.

Women's Health and Genetics/Laboratory Corporation of America, LabCorp
Classification: Benign. Last evaluated: 2025-10-28. Review status: criteria provided, single submitter. Criteria: LabCorp Variant Classification Summary - May 2015. Collection method: clinical testing. Allele origin: germline.
Comment: Variant summary: PHEX c.849+3A>G alters a conserved nucleotide located close to a canonical splice site and therefore could affect mRNA splicing, leading to a significantly altered protein sequence. Consensus agreement among computation tools predict no significant impact on normal splicing. However, these predictions have yet to be confirmed by functional studies. The variant allele was found at a frequency of 0.00069 in 182785 control chromosomes, predominantly at a frequency of 0.0013 within the Non-Finnish European subpopulation in the gnomAD database. The observed variant frequency within Non-Finnish European control individuals in the gnomAD database exceeds the estimated maximal expected allele frequency for disease-causing variants in PHEX. ClinVar contains an entry for this variant (Variation ID: 718110). Based on the evidence outlined above, the variant was classified as benign.

Blueprint Genetics
Classification: Likely benign. Last evaluated: 2024-11-21. Review status: criteria provided, single submitter. Criteria: ACMG Guidelines, 2015. Collection method: clinical testing. Allele origin: germline.

Illumina Laboratory Services, Illumina
Classification: Benign for Familial X-linked hypophosphatemic vitamin D refractory rickets. Last evaluated: 2018-01-13. Review status: criteria provided, single submitter. Criteria: ICSL Variant Classification Criteria 13 December 2019. Collection method: clinical testing. Allele origin: germline.
Comment: This variant was observed in the ICSL laboratory as part of a predisposition screen in an ostensibly healthy population. It had not been previously curated by ICSL or reported in the Human Gene Mutation Database (HGMD: prior to June 1st, 2018), and was therefore a candidate for classification through an automated scoring system. Utilizing variant allele frequency, disease prevalence and penetrance estimates, and inheritance mode, an automated score was calculated to assess if this variant is too frequent to cause the disease. Based on the score and internal cut-off values, a variant classified as benign is not then subjected to further curation. The score for this variant resulted in a classification of benign for this disease.

PreventionGenetics, part of Exact Sciences
Classification: Likely benign for PHEX-related condition. Last evaluated: 2020-12-08. Review status: no assertion criteria provided. Collection method: clinical testing. Allele origin: germline. Not counted in ClinVar's aggregate classification.
Comment: This variant is classified as likely benign based on ACMG/AMP sequence variant interpretation guidelines (Richards et al. 2015 PMID: 25741868, with internal and published modifications).

Clinical Genetics DNA and cytogenetics Diagnostics Lab, Erasmus MC, Erasmus Medical Center
Classification: Likely benign. Review status: no assertion criteria provided. Collection method: clinical testing. Allele origin: germline. Affected: yes. Study: VKGL Data-share Consensus. Not counted in ClinVar's aggregate classification.

Laboratory of Diagnostic Genome Analysis, Leiden University Medical Center (LUMC)
Classification: Likely benign. Review status: no assertion criteria provided. Collection method: clinical testing. Allele origin: germline. Affected: yes. Study: VKGL Data-share Consensus. Not counted in ClinVar's aggregate classification.